The following is an entry in ClinVar:

NM_001330078.2(NRXN1):c.2623A>T (p.Asn875Tyr)

Gene: NRXN1 (neurexin 1; minus strand). Cytogenetic location: 2p16.3.
Variant type: single nucleotide variant.
Coding change: c.2623A>T on transcript NM_001330078.2 (MANE Select); coding-DNA position 2623, A replaced by T.
Protein change: p.Asn875Tyr; replaces asparagine 875 with tyrosine.
Molecular consequence: missense variant.
Genome position (GRCh38, 1-based): chr2:50,497,589, T>A on the plus strand (A>T on the coding strand, the complement: NRXN1 is on the minus strand). VCF-style: chr2-50497589-T-A. GRCh37 (hg19) VCF-style: chr2-50724727-T-A.
Other names: c.2743A>T, p.Asn915Tyr (NM_001135659.3); c.2599A>T, p.Asn867Tyr (NM_001330077.2, NM_001330082.2); c.2557A>T, p.Asn853Tyr (NM_001330083.2, NM_001330084.2); c.2596A>T, p.Asn866Tyr (NM_001330085.2); c.2623A>T, p.Asn875Tyr (NM_001330086.2, NM_004801.6); c.2512A>T, p.Asn838Tyr (NM_001330087.2, NM_001330096.2); c.2542A>T, p.Asn848Tyr (NM_001330088.2); c.2620A>T, p.Asn874Tyr (NM_001330093.2); and 2 more; short protein forms N838Y, N848Y, N853Y, N858Y, N866Y, N867Y, N871Y, N874Y.
Identifiers: ClinVar variation 1316025 (VCV001316025.2), dbSNP rs201243629, ClinGen allele CA346777245.

ClinVar aggregate classification (germline): Uncertain significance (1 of 4 stars; one submission).

Submission:

GeneDx
Classification: Uncertain significance. Last evaluated: 2019-12-10. Review status: criteria provided, single submitter. Criteria: GeneDx Variant Classification Process June 2021. Collection method: clinical testing. Allele origin: germline. Affected: yes.
Comment: Not observed in large population cohorts (Lek et al., 2016); In silico analysis, which includes protein predictors and evolutionary conservation, supports a deleterious effect; Has not been previously published as pathogenic or benign to our knowledge